The following is an entry in ClinVar:

NM_000535.7(PMS2):c.705+6G>A

Gene: PMS2 (PMS1 homolog 2, mismatch repair system component; minus strand). Cytogenetic location: 7p22.1.
Variant type: single nucleotide variant.
Coding change: c.705+6G>A on transcript NM_000535.7 (MANE Select); 6 bases into the intron after coding-DNA position 705, G replaced by A.
Molecular consequence: intron variant.
Genome position (GRCh38, 1-based): chr7:5,999,102, C>T on the plus strand (G>A on the coding strand, the complement: PMS2 is on the minus strand). VCF-style: chr7-5999102-C-T. GRCh37 (hg19) VCF-style: chr7-6038733-C-T.
Other names: c.387+6G>A (NM_001322008.2, NM_001322007.2); c.300+6G>A (NM_001322010.2, NM_001322004.2, NM_001322003.2 and 2 more transcripts); c.133-1679G>A (NM_001322013.2); c.-229+6G>A (NM_001322012.2, NM_001322011.2); c.396+6G>A (NM_001322015.2); c.705+6G>A (NM_001322006.2, NM_001322014.2).
Identifiers: ClinVar variation 1368293 (VCV001368293.6), dbSNP rs2128798888, ClinGen allele CA2573141940.

ClinVar aggregate classification (germline): Uncertain significance (1 of 4 stars; one submission).

Conditions:
Hereditary nonpolyposis colorectal neoplasms. Identifiers: MedGen C0009405, MeSH D003123.

Submission:

Labcorp Genetics (formerly Invitae), Labcorp
Classification: Uncertain significance for Hereditary nonpolyposis colorectal neoplasms. Last evaluated: 2024-05-23. Review status: criteria provided, single submitter. Criteria: Invitae Variant Classification Sherloc (09022015). Collection method: clinical testing. Allele origin: germline.
Comment: This sequence change falls in intron 6 of the PMS2 gene. It does not directly change the encoded amino acid sequence of the PMS2 protein. It affects a nucleotide within the consensus splice site. This variant is not present in population databases (gnomAD no frequency). This variant has not been reported in the literature in individuals affected with PMS2-related conditions. ClinVar contains an entry for this variant (Variation ID: 1368293). Variants that disrupt the consensus splice site are a relatively common cause of aberrant splicing (PMID: 17576681, 9536098). Algorithms developed to predict the effect of sequence changes on RNA splicing suggest that this variant is not likely to affect RNA splicing. In summary, the available evidence is currently insufficient to determine the role of this variant in disease. Therefore, it has been classified as a Variant of Uncertain Significance.

Literature cited by the submitters: PubMed 17576681; PubMed 9536098.